The following is an entry in ClinVar:

NM_001458.5(FLNC):c.479C>T (p.Thr160Met)

Gene: FLNC (filamin C; plus strand). Cytogenetic location: 7q32.1.
Variant type: single nucleotide variant.
Coding change: c.479C>T on transcript NM_001458.5 (MANE Select); coding-DNA position 479, C replaced by T.
Protein change: p.Thr160Met; replaces threonine 160 with methionine.
Molecular consequence: missense variant.
Genome position (GRCh38, 1-based): chr7:128,835,452, C>T. VCF-style: chr7-128835452-C-T. GRCh37 (hg19) VCF-style: chr7-128475506-C-T.
Other names: c.479C>T, p.Thr160Met (NM_001127487.2); short protein forms T160M.
Identifiers: ClinVar variation 568850 (VCV000568850.14), dbSNP rs1357772572, ClinGen allele CA369219338.

ClinVar aggregate classification (germline): Uncertain significance. Review status: criteria provided, multiple submitters, no conflicts (2 of 4 stars). 4 submissions from 4 submitters: Uncertain significance (4). Last evaluated 2025-10-13.

Conditions:
Distal myopathy with posterior leg and anterior hand involvement. Also called: WILLIAMS DISTAL MYOPATHY. Identifiers: Orphanet 63273, MedGen C3279722, MONDO:0013550, OMIM 614065.
Myofibrillar myopathy 5. Also called: FILAMINOPATHY, AUTOSOMAL DOMINANT; Filaminopathy (type). Identifiers: Orphanet 171445, MedGen C1836050, MONDO:0012289, OMIM 609524.
Hypertrophic cardiomyopathy 26. Also called: Cardiomyopathy, familial hypertrophic, 26. Identifiers: Orphanet 75249, MedGen C4310749, MONDO:0014883, OMIM 617047.
Cardiovascular phenotype. Identifiers: MedGen CN230736.

Allele frequency attached by ClinVar (database versions not stated): gnomAD exomes 0.00001; TOPMed 0.00001; gnomAD 0.00002.

Submissions (4):

Labcorp Genetics (formerly Invitae), Labcorp
Classification: Uncertain significance for Distal myopathy with posterior leg and anterior hand involvement; Myofibrillar myopathy 5; Hypertrophic cardiomyopathy 26. Last evaluated: 2025-10-13. Review status: criteria provided, single submitter. Criteria: Invitae Variant Classification Sherloc (09022015). Collection method: clinical testing. Allele origin: germline.
Comment: This sequence change replaces threonine, which is neutral and polar, with methionine, which is neutral and non-polar, at codon 160 of the FLNC protein (p.Thr160Met). This variant is not present in population databases (gnomAD no frequency). This variant has not been reported in the literature in individuals affected with FLNC-related conditions. ClinVar contains an entry for this variant (Variation ID: 568850). Invitae Evidence Modeling of protein sequence and biophysical properties (such as structural, functional, and spatial information, amino acid conservation, physicochemical variation, residue mobility, and thermodynamic stability) has been performed for this missense variant. However, the output from this modeling did not meet the statistical confidence thresholds required to predict the impact of this variant on FLNC protein function. In summary, the available evidence is currently insufficient to determine the role of this variant in disease. Therefore, it has been classified as a Variant of Uncertain Significance.

Ambry Genetics
Classification: Uncertain significance for Cardiovascular phenotype. Last evaluated: 2025-05-18. Review status: criteria provided, single submitter. Criteria: Ambry Variant Classification Scheme 2023. Collection method: clinical testing. Allele origin: germline.
Comment: The p.T160M variant (also known as c.479C>T), located in coding exon 2 of the FLNC gene, results from a C to T substitution at nucleotide position 479. The threonine at codon 160 is replaced by methionine, an amino acid with similar properties. This amino acid position is conserved. In addition, this alteration is predicted to be deleterious by in silico analysis. Since supporting evidence is limited at this time, the clinical significance of this alteration remains unclear.

Women's Health and Genetics/Laboratory Corporation of America, LabCorp
Classification: Uncertain significance. Last evaluated: 2024-09-11. Review status: criteria provided, single submitter. Criteria: LabCorp Variant Classification Summary - May 2015. Collection method: clinical testing. Allele origin: germline.
Comment: Variant summary: FLNC c.479C>T (p.Thr160Met) results in a non-conservative amino acid change located in the Calponin homology domain (IPR001715) of the encoded protein sequence. Five of five in-silico tools predict a damaging effect of the variant on protein function. The variant was absent in 249360 control chromosomes. The available data on variant occurrences in the general population are insufficient to allow any conclusion about variant significance. To our knowledge, no occurrence of c.479C>T in individuals affected with Cardiomyopathy and no experimental evidence demonstrating its impact on protein function have been reported. ClinVar contains an entry for this variant (Variation ID: 568850). Based on the evidence outlined above, the variant was classified as uncertain significance.

Baylor Genetics
Classification: Uncertain significance for Distal myopathy with posterior leg and anterior hand involvement. Last evaluated: 2018-11-13. Review status: criteria provided, single submitter. Criteria: ACMG Guidelines, 2015. Collection method: clinical testing. Allele origin: paternal. Affected: yes.
Comment: This variant was determined to be of uncertain significance according to ACMG Guidelines, 2015 [PMID:25741868].